The following is an entry in ClinVar:

NM_020975.6(RET):c.1289G>T (p.Cys430Phe)

Gene: RET (ret proto-oncogene; plus strand). Cytogenetic location: 10q11.21.
Variant type: single nucleotide variant.
Coding change: c.1289G>T on transcript NM_020975.6 (MANE Select); coding-DNA position 1289, G replaced by T.
Protein change: p.Cys430Phe; replaces cysteine 430 with phenylalanine.
Molecular consequence: missense variant. On other transcripts: intron variant (15).
Genome position (GRCh38, 1-based): chr10:43,111,232, G>T. VCF-style: chr10-43111232-G-T. GRCh37 (hg19) VCF-style: chr10-43606680-G-T.
Other names: c.1289G>T, p.Cys430Phe (NM_000323.2, NM_001406743.1, NM_001406744.1 and 6 more transcripts); c.527G>T, p.Cys176Phe (NM_001355216.2); c.1160G>T, p.Cys387Phe (NM_001406761.1, NM_001406762.1, NM_001406764.1 and 1 more transcripts); c.1001G>T, p.Cys334Phe (NM_001406766.1, NM_001406767.1, NM_001406770.1); c.893G>T, p.Cys298Phe (NM_001406769.1, NM_001406772.1); c.851G>T, p.Cys284Phe (NM_001406771.1, NM_001406773.1); c.764G>T, p.Cys255Phe (NM_001406774.1); c.563G>T, p.Cys188Phe (NM_001406775.1, NM_001406776.1, NM_001406777.1 and 1 more transcripts); and 5 more; short protein forms C100F, C176F, C334F, C387F, C284F, C298F, C188F, C255F.
Identifiers: ClinVar variation 3021513 (VCV003021513.5), dbSNP rs1837913861, ClinGen allele CA376548903.
Genomic context (GRCh38, chr10:43,111,232, plus strand): 5'-CTGCCTGGCTAAGGTGTTCCCCTGTGCCCCCCTAGATCGGGAAAGTCTGTGTGGAAAACT[G>T]CCAGGCATTCAGTGGCATCAACGTCCAGTACAAGCTGCATTCCTCTGGTGCCAACTGCAG-3'
Protein context (NP_066124.1, residues 420-440): AQIGKVCVEN[Cys430Phe]QAFSGINVQY

ClinVar aggregate classification (germline): Uncertain significance. Review status: criteria provided, multiple submitters, no conflicts (2 of 4 stars). 3 submissions from 3 submitters: Uncertain significance (3). Last evaluated 2023-10-06.

Conditions:
Hereditary cancer-predisposing syndrome. Also called: Tumor predisposition; Hereditary neoplastic syndrome; Hereditary Cancer Syndrome; Neoplastic Syndromes, Hereditary. Identifiers: Orphanet 140162, MedGen C0027672, MeSH D009386, MONDO:0015356.
Multiple endocrine neoplasia, type 2 (MEN2). Identifiers: Orphanet 653, MedGen C4048306, MONDO:0019003. Disease mechanism: gain of function.

Submissions (3):

Ambry Genetics
Classification: Uncertain significance for Hereditary cancer-predisposing syndrome. Last evaluated: 2023-10-06. Review status: criteria provided, single submitter. Criteria: Ambry Variant Classification Scheme 2023. Collection method: clinical testing. Allele origin: germline.
Comment: The p.C430F variant (also known as c.1289G>T), located in coding exon 7 of the RET gene, results from a G to T substitution at nucleotide position 1289. The cysteine at codon 430 is replaced by phenylalanine, an amino acid with highly dissimilar properties. This amino acid position is conserved. In addition, this alteration is predicted to be deleterious by in silico analysis. Since supporting evidence is limited at this time, the clinical significance of this alteration remains unclear.

All of Us Research Program, National Institutes of Health
Classification: Uncertain significance for Multiple endocrine neoplasia, type 2. Last evaluated: 2023-09-17. Review status: criteria provided, single submitter. Criteria: ACMG Guidelines, 2015. Collection method: clinical testing. Allele origin: germline. Inheritance: Autosomal dominant inheritance. Observed: 1 variant allele, 1 heterozygote.
Comment: This missense variant replaces cysteine with phenylalanine at codon 430 of the RET protein. Computational prediction suggests that this variant may have deleterious impact on protein structure and function (internally defined REVEL score threshold >= 0.7, PMID: 27666373). To our knowledge, functional studies have not been reported for this variant. This variant has not been reported in individuals affected with RET-related disorders in the literature. This variant has not been identified in the general population by the Genome Aggregation Database (gnomAD). The available evidence is insufficient to determine the role of this variant in disease conclusively. Therefore, this variant is classified as a Variant of Uncertain Significance.

This study involves interpretation of variants in research participants for the purpose of population health screening. Participant phenotype was not available at the time of variant classification. Additional details can be found in publication PMID: 35346344, PMCID: PMC8962531

Labcorp Genetics (formerly Invitae), Labcorp
Classification: Uncertain significance for Multiple endocrine neoplasia, type 2. Last evaluated: 2023-08-29. Review status: criteria provided, single submitter. Criteria: Invitae Variant Classification Sherloc (09022015). Collection method: clinical testing. Allele origin: germline.
Comment: This sequence change replaces cysteine, which is neutral and slightly polar, with phenylalanine, which is neutral and non-polar, at codon 430 of the RET protein (p.Cys430Phe). This variant is not present in population databases (gnomAD no frequency). This variant has not been reported in the literature in individuals affected with RET-related conditions. An algorithm developed to predict the effect of missense changes on protein structure and function (PolyPhen-2) suggests that this variant is likely to be disruptive. In summary, the available evidence is currently insufficient to determine the role of this variant in disease. Therefore, it has been classified as a Variant of Uncertain Significance.